The following is an entry in ClinVar:

ClinVar aggregate classification (germline): Pathogenic (1 of 4 stars; one submission).

Conditions:
H syndrome. Also called: HISTIOCYTOSIS AND LYMPHADENOPATHY WITH OR WITHOUT CUTANEOUS, CARDIAC, AND/OR ENDOCRINE FEATURES, JOINT CONTRACTURES, AND/OR DEAFNESS; HYPERPIGMENTATION, CUTANEOUS, WITH HYPERTRICHOSIS, HEPATOSPLENOMEGALY, HEART ANOMALIES, AND HYPOGONADISM WITH OR WITHOUT HEARING LOSS; PIGMENTED HYPERTRICHOSIS WITH INSULIN-DEPENDENT DIABETES MELLITUS; ROSAI-DORFMAN DISEASE, FAMILIAL; SINUS HISTIOCYTOSIS AND MASSIVE LYMPHADENOPATHY; Hyperpigmentation, Cutaneous, with Hypertrichosis, Hepatosplenomegaly, Heart Anomalies, Hearing Loss, and Hypogonadism. Identifiers: Orphanet 168569, MedGen C1864445, MONDO:0011273, OMIM 602782.

Submission:

Labcorp Genetics (formerly Invitae), Labcorp
Classification: Pathogenic for H syndrome. Last evaluated: 2022-04-16. Review status: criteria provided, single submitter. Criteria: Invitae Variant Classification Sherloc (09022015). Collection method: clinical testing. Allele origin: germline.
Comment: This variant is a gross deletion of the genomic region encompassing exon(s) 5 of the SLC29A3 gene. While this deletion is not anticipated to lead to nonsense mediated decay, it is expected to disrupt the C-terminus of the protein. This variant has not been reported in the literature in individuals affected with SLC29A3-related conditions. This variant disrupts a region of the SLC29A3 protein in which other variant(s) (p.Glu444*) have been determined to be pathogenic (PMID: 17461801, 19336477, 20595384). This suggests that this is a clinically significant region of the protein, and that variants that disrupt it are likely to be disease-causing. For these reasons, this variant has been classified as Pathogenic.

Literature cited by the submitters: PubMed 17461801; PubMed 19336477; PubMed 20595384.

NC_000010.10:g.(?_73115818)_(73116020_?)del

Gene: SLC29A3 (solute carrier family 29 member 3; plus strand). Cytogenetic location: 10q22.1.
Variant type: Deletion.
Identifiers: ClinVar variation 2426462 (VCV002426462.4).